The following is an entry in ClinVar:

ClinVar aggregate classification (germline): Uncertain significance. Review status: criteria provided, multiple submitters, no conflicts (2 of 4 stars). 2 submissions from 2 submitters: Uncertain significance (2). Last evaluated 2025-01-06.

Conditions:
Sulfite oxidase deficiency due to molybdenum cofactor deficiency type A. Also called: Molybdenum Cofactor Deficiency A; Molybdenum cofactor deficiency, complementation group A. Identifiers: Orphanet 308386, Orphanet 833, MedGen C1854988, MONDO:0009643, OMIM 252150.

Allele frequency attached by ClinVar (database versions not stated): gnomAD 0.00003; TOPMed 0.00006; 1000 Genomes Project 30x 0.00016; 1000 Genomes Project 0.00020.

Submissions (2):

Labcorp Genetics (formerly Invitae), Labcorp
Classification: Uncertain significance for Sulfite oxidase deficiency due to molybdenum cofactor deficiency type A. Last evaluated: 2025-01-06. Review status: criteria provided, single submitter. Criteria: Invitae Variant Classification Sherloc (09022015). Collection method: clinical testing. Allele origin: germline.
Comment: This sequence change replaces alanine, which is neutral and non-polar, with threonine, which is neutral and polar, at codon 111 of the MOCS1 protein (p.Ala111Thr). The frequency data for this variant in the population databases is considered unreliable, as metrics indicate poor data quality at this position in the gnomAD database. This variant has not been reported in the literature in individuals affected with MOCS1-related conditions. ClinVar contains an entry for this variant (Variation ID: 1037983). An algorithm developed to predict the effect of missense changes on protein structure and function (PolyPhen-2) suggests that this variant is likely to be disruptive. In summary, the available evidence is currently insufficient to determine the role of this variant in disease. Therefore, it has been classified as a Variant of Uncertain Significance.

Blueprint Genetics
Classification: Uncertain significance. Last evaluated: 2024-07-04. Review status: criteria provided, single submitter. Criteria: ACMG Guidelines, 2015. Collection method: clinical testing. Allele origin: germline.

NM_001358530.2(MOCS1):c.331G>A (p.Ala111Thr)

Gene: MOCS1 (molybdenum cofactor synthesis 1; minus strand). Cytogenetic location: 6p21.2.
Variant type: single nucleotide variant.
Coding change: c.331G>A on transcript NM_001358530.2 (MANE Select); coding-DNA position 331, G replaced by A.
Protein change: p.Ala111Thr; replaces alanine 111 with threonine.
Molecular consequence: missense variant. On other transcripts: non-coding transcript variant (1).
Genome position (GRCh38, 1-based): chr6:39,925,765, C>T on the plus strand (G>A on the coding strand, the complement: MOCS1 is on the minus strand). VCF-style: chr6-39925765-C-T. GRCh37 (hg19) VCF-style: chr6-39893509-C-T.
Other names: c.331G>A, p.Ala111Thr (NM_001075098.4, NM_001358529.2, NM_005943.6); c.70G>A, p.Ala24Thr (NM_001358531.2, NM_001358533.2, NM_001358534.2); short protein forms A111T, A24T.
Identifiers: ClinVar variation 1037983 (VCV001037983.8), dbSNP rs200517455, ClinGen allele CA3796342.
Genomic context (GRCh38, chr6:39,925,765, plus strand): 5'-TAAGCGGCTCTCCACCTGTGAGCCGGATCTTGTCGATGCCTTCCTTCACAAAGAGCCGGG[C>T]GAGGGTCAGGATCTCCTCTGTGGTCAGCAGGTTGGCTTTGGGGGTCAGCGGGACCCCCTC-3'
Protein context (NP_001345459.1, residues 101-121): LLTTEEILTL[Ala111Thr]RLFVKEGIDK